The following is an entry in ClinVar:

ClinVar aggregate classification (germline): Likely pathogenic (1 of 4 stars; one submission).

Conditions:
Autosomal dominant Alport syndrome (ATS3A). Also called: Alport syndrome dominant type; Renal failure and sensorineural hearing loss; ALPORT SYNDROME 3A, AUTOSOMAL DOMINANT. Identifiers: Orphanet 63, Orphanet 88918, MedGen C5882663, MONDO:0007086, OMIM 104200.

Submission:

MVZ Medizinische Genetik Mainz
Classification: Likely pathogenic for Autosomal dominant Alport syndrome. Last evaluated: 2023-09-27. Review status: criteria provided, single submitter. Criteria: UK Practice Guidelines For Variant Classification V4 01 2020. Collection method: clinical testing. Allele origin: germline. Inheritance: Autosomal dominant inheritance. Affected: yes. Observed: 1 variant allele.
Comment: ACMG Criteria: PM1_STR, PM2_SUP, PP3 (ACMG Version 4)

NM_000091.5(COL4A3):c.3275G>A (p.Gly1092Glu)

Genes: COL4A3 (collagen type IV alpha 3 chain; plus strand), MFF-DT (MFF divergent transcript; minus strand). Cytogenetic location: 2q36.3.
Variant type: single nucleotide variant.
Coding change: c.3275G>A on transcript NM_000091.5 (MANE Select); coding-DNA position 3275, G replaced by A.
Protein change: p.Gly1092Glu; replaces glycine 1092 with glutamic acid.
Molecular consequence: missense variant.
Genome position (GRCh38, 1-based): chr2:227,293,255, G>A. VCF-style: chr2-227293255-G-A. GRCh37 (hg19) VCF-style: chr2-228157971-G-A.
Other names: short protein forms G1092E.
Identifiers: ClinVar variation 3234088 (VCV003234088.1), dbSNP rs1559909513, ClinGen allele CA350857565.